The following is an entry in ClinVar:

ClinVar aggregate classification (germline): Uncertain significance (1 of 4 stars; one submission).

Conditions:
Galactosylceramide beta-galactosidase deficiency. Also called: Leukodystrophy, Globoid Cell; GALACTOCEREBROSIDASE DEFICIENCY; GALC DEFICIENCY; GLOBOID CELL LEUKOENCEPHALOPATHY; Krabbe Disease. Identifiers: Orphanet 487, MedGen C0023521, MONDO:0009499, OMIM 245200.

Allele frequency attached by ClinVar (database versions not stated): TOPMed 0.00002.
gnomAD v4.1: 1 of 1,579,716 alleles (0.000063%); highest among the groups gnomAD compares: African/African-American, 0.0013%; no homozygotes.

Submission:

Labcorp Genetics (formerly Invitae), Labcorp
Classification: Uncertain significance for Galactosylceramide beta-galactosidase deficiency. Last evaluated: 2024-01-31. Review status: criteria provided, single submitter. Criteria: Invitae Variant Classification Sherloc (09022015). Collection method: clinical testing. Allele origin: germline.
Comment: This sequence change replaces leucine, which is neutral and non-polar, with serine, which is neutral and polar, at codon 31 of the GALC protein (p.Leu31Ser). This variant is not present in population databases (gnomAD no frequency). This variant has not been reported in the literature in individuals affected with GALC-related conditions. Advanced modeling of protein sequence and biophysical properties (such as structural, functional, and spatial information, amino acid conservation, physicochemical variation, residue mobility, and thermodynamic stability) has been performed at Invitae for this missense variant, however the output from this modeling did not meet the statistical confidence thresholds required to predict the impact of this variant on GALC protein function. In summary, the available evidence is currently insufficient to determine the role of this variant in disease. Therefore, it has been classified as a Variant of Uncertain Significance.

NM_000153.4(GALC):c.92T>C (p.Leu31Ser)

Gene: GALC (galactosylceramidase; minus strand). Cytogenetic location: 14q31.3.
Variant type: single nucleotide variant.
Coding change: c.92T>C on transcript NM_000153.4 (MANE Select); coding-DNA position 92, T replaced by C.
Protein change: p.Leu31Ser; replaces leucine 31 with serine.
Molecular consequence: missense variant. On other transcripts: 5 prime UTR variant (3), non-coding transcript variant (1), intron variant (2).
Genome position (GRCh38, 1-based): chr14:87,993,073, A>G on the plus strand (T>C on the coding strand, the complement: GALC is on the minus strand). VCF-style: chr14-87993073-A-G. GRCh37 (hg19) VCF-style: chr14-88459417-A-G.
Other names: c.92T>C, p.Leu31Ser (NM_001201401.2); c.-179T>C (NM_001424072.1); c.-345T>C (NM_001424075.1); c.-576T>C (NM_001424077.1); c.-473+310T>C (NM_001424076.1); c.117+310T>C (NM_001201402.2); short protein forms L31S.
Identifiers: ClinVar variation 2778109 (VCV002778109.3), dbSNP rs1323657145, ClinGen allele CA390771876.